The following is an entry in ClinVar:

NM_006950.3(SYN1):c.1538C>T (p.Ser513Leu)

Gene: SYN1 (synapsin I; minus strand). Cytogenetic location: Xp11.3.
Variant type: single nucleotide variant.
Coding change: c.1538C>T on transcript NM_006950.3 (MANE Select); coding-DNA position 1538, C replaced by T.
Protein change: p.Ser513Leu; replaces serine 513 with leucine.
Molecular consequence: missense variant.
Genome position (GRCh38, 1-based): chrX:47,574,446, G>A on the plus strand (C>T on the coding strand, the complement: SYN1 is on the minus strand). VCF-style: chrX-47574446-G-A. GRCh37 (hg19) VCF-style: chrX-47433845-G-A.
Other names: c.1538C>T, p.Ser513Leu (NM_133499.2); short protein forms S513L.
Identifiers: ClinVar variation 2850328 (VCV002850328.3), dbSNP rs2519684996, ClinGen allele CA412823430.

ClinVar aggregate classification (germline): Uncertain significance (1 of 4 stars; one submission).

Conditions:
Epilepsy, X-linked 1, with variable learning disabilities and behavior disorders. Also called: X-linked epilepsy-learning disabilities-behavior disorders syndrome. Identifiers: Orphanet 85294, MedGen C5774177, MONDO:0010339, OMIM 300491.

Allele frequency attached by ClinVar (database versions not stated): gnomAD exomes below 0.00001.
gnomAD v4.1: 1 of 1,053,139 alleles (0.000095%); highest among the groups gnomAD compares: Non-Finnish European, 0.00012%; no homozygotes.

Submission:

Labcorp Genetics (formerly Invitae), Labcorp
Classification: Uncertain significance for Epilepsy, X-linked 1, with variable learning disabilities and behavior disorders. Last evaluated: 2024-11-13. Review status: criteria provided, single submitter. Criteria: Invitae Variant Classification Sherloc (09022015). Collection method: clinical testing. Allele origin: germline.
Comment: This sequence change replaces serine, which is neutral and polar, with leucine, which is neutral and non-polar, at codon 513 of the SYN1 protein (p.Ser513Leu). The frequency data for this variant in the population databases is considered unreliable, as metrics indicate insufficient coverage at this position in the gnomAD database. This variant has not been reported in the literature in individuals affected with SYN1-related conditions. ClinVar contains an entry for this variant (Variation ID: 2850328). Experimental studies and prediction algorithms are not available or were not evaluated, and the functional significance of this variant is currently unknown. In summary, the available evidence is currently insufficient to determine the role of this variant in disease. Therefore, it has been classified as a Variant of Uncertain Significance.